The following is an entry in ClinVar:

NM_004064.5(CDKN1B):c.596A>C (p.Ter199Ser)

Gene: CDKN1B (cyclin dependent kinase inhibitor 1B; plus strand). Cytogenetic location: 12p13.1.
Variant type: single nucleotide variant.
Coding change: c.596A>C on transcript NM_004064.5 (MANE Select); coding-DNA position 596, A replaced by C.
Protein change: p.Ter199Ser.
Molecular consequence: stop lost.
Genome position (GRCh38, 1-based): chr12:12,718,945, A>C. VCF-style: chr12-12718945-A-C. GRCh37 (hg19) VCF-style: chr12-12871879-A-C.
Identifiers: ClinVar variation 3223687 (VCV003223687.1), dbSNP rs1592281828, ClinGen allele CA383973256.
Genomic context (GRCh38, chr12:12,718,945, plus strand): 5'-CAAATGCCGGTTCTGTGGAGCAGACGCCCAAGAAGCCTGGCCTCAGAAGACGTCAAACGT[A>C]AACAGCTCGGTGGGTTGATCACTAAAGGAGCACGCACTGGAACCCGGGGCCTTCAGACCT-3'

ClinVar aggregate classification (germline): Uncertain significance (1 of 4 stars; one submission).

Conditions:
Hereditary cancer-predisposing syndrome. Also called: Tumor predisposition; Hereditary neoplastic syndrome; Hereditary Cancer Syndrome; Neoplastic Syndromes, Hereditary. Identifiers: Orphanet 140162, MedGen C0027672, MeSH D009386, MONDO:0015356.

Submission:

Ambry Genetics
Classification: Uncertain significance for Hereditary cancer-predisposing syndrome. Last evaluated: 2023-09-19. Review status: criteria provided, single submitter. Criteria: Ambry Variant Classification Scheme 2023. Collection method: clinical testing. Allele origin: germline.
Comment: The c.596A>C variant (also known as p.*199Sext*60), located in coding exon 2 of the CDKN1B gene, results from a A to C substitution at nucleotide position 596. This alteration disrupts the stop codon of the CDKN1B gene and is predicted to preserve the native sequence while resulting in the elongation of the protein by 60 amino acids. The exact functional effect of the additional amino acids is unknown. Since supporting evidence is limited at this time, the clinical significance of this alteration remains unclear.